The following is an entry in ClinVar:

ClinVar aggregate classification (germline): Uncertain significance. Review status: criteria provided, multiple submitters, no conflicts (2 of 4 stars). 3 submissions from 3 submitters: Uncertain significance (3). Last evaluated 2024-11-13.

Conditions:
Familial adenomatous polyposis 1 (FAP1). Also called: FAMILIAL ADENOMATOUS POLYPOSIS 1, ATTENUATED; POLYPOSIS, ADENOMATOUS INTESTINAL. Identifiers: MedGen C2713442, MONDO:0021056, OMIM 175100. Disease mechanism: loss of function.
Hereditary cancer-predisposing syndrome. Also called: Hereditary neoplastic syndrome; Tumor predisposition; Neoplastic Syndromes, Hereditary; Hereditary Cancer Syndrome. Identifiers: Orphanet 140162, MedGen C0027672, MeSH D009386, MONDO:0015356.

Allele frequency attached by ClinVar (database versions not stated): gnomAD exomes below 0.00001.
gnomAD v4.1: 1 of 1,614,150 alleles (0.000062%); highest among the groups gnomAD compares: Non-Finnish European, 0.000085%; no homozygotes.

Submissions (3):

Color Diagnostics, LLC DBA Color Health
Classification: Uncertain significance for Hereditary cancer-predisposing syndrome. Last evaluated: 2024-11-13. Review status: criteria provided, single submitter. Criteria: ACMG Guidelines, 2015. Collection method: clinical testing. Allele origin: germline.
Comment: This missense variant replaces serine with tyrosine at codon 1219 of the APC protein. Computational prediction suggests that this variant may not impact protein structure and function (internally defined REVEL score threshold <= 0.5, PMID: 27666373). To our knowledge, functional studies have not been reported for this variant. This variant has not been reported in individuals affected with APC-related disorders in the literature. This variant has not been identified in the general population by the Genome Aggregation Database (gnomAD). The available evidence is insufficient to determine the role of this variant in disease conclusively. Therefore, this variant is classified as a Variant of Uncertain Significance.

Labcorp Genetics (formerly Invitae), Labcorp
Classification: Uncertain significance for Familial adenomatous polyposis 1. Last evaluated: 2019-06-30. Review status: criteria provided, single submitter. Criteria: Invitae Variant Classification Sherloc (09022015). Collection method: clinical testing. Allele origin: germline.
Comment: Algorithms developed to predict the effect of missense changes on protein structure and function are either unavailable or do not agree on the potential impact of this missense change (SIFT: "Deleterious"; PolyPhen-2: "Benign"; Align-GVGD: "Class C0"). In summary, the available evidence is currently insufficient to determine the role of this variant in disease. Therefore, it has been classified as a Variant of Uncertain Significance. This variant has not been reported in the literature in individuals with APC-related conditions. ClinVar contains an entry for this variant (Variation ID: 419520). This sequence change replaces serine with tyrosine at codon 1219 of the APC protein (p.Ser1219Tyr). The serine residue is moderately conserved and there is a large physicochemical difference between serine and tyrosine. This variant is not present in population databases (ExAC no frequency).

GeneDx
Classification: Uncertain significance. Last evaluated: 2015-07-16. Review status: criteria provided, single submitter. Criteria: GeneDx Variant Classification (06012015). Collection method: clinical testing. Allele origin: germline. Affected: yes.
Comment: This variant is denoted APC c.3656C>A at the cDNA level, p.Ser1219Tyr (S1219Y) at the protein level, and results in the change of a Serine to a Tyrosine (TCC>TAC). This variant has not, to our knowledge, been published in the literature as pathogenic or benign. APC Ser1219Tyr was not observed in approximately 6,500 individuals of European and African American ancestry in the NHLBI Exome Sequencing Project, indicating it is not a common benign variant in these populations. Since Serine and Tyrosine differ in some properties, this is considered a semi-conservative amino acid substitution. APC Ser1219Tyr occurs at a position not conserved and is within a serine rich region as well as the region responsible for down-regulation through a process mediated by direct ubiquitination (UniProt). In silico analyses are inconsistent regarding the effect this variant may have on protein structure and function. Based on currently available information, it is unclear whether APC Ser1219Tyr is pathogenic or benign. We consider it to be a variant of uncertain significance.

NM_000038.6(APC):c.3656C>A (p.Ser1219Tyr)

Gene: APC (APC regulator of Wnt signaling pathway; plus strand). Cytogenetic location: 5q22.2.
Variant type: single nucleotide variant.
Coding change: c.3656C>A on transcript NM_000038.6 (MANE Select); coding-DNA position 3656, C replaced by A.
Protein change: p.Ser1219Tyr; replaces serine 1219 with tyrosine.
Molecular consequence: missense variant.
Genome position (GRCh38, 1-based): chr5:112,839,250, C>A. VCF-style: chr5-112839250-C-A. GRCh37 (hg19) VCF-style: chr5-112174947-C-A.
Other names: c.3656C>A, p.Ser1219Tyr (NM_001127510.3, NM_001354895.2); c.3602C>A, p.Ser1201Tyr (NM_001127511.3); c.3710C>A, p.Ser1237Tyr (NM_001354896.2); c.3686C>A, p.Ser1229Tyr (NM_001354897.2); c.3581C>A, p.Ser1194Tyr (NM_001354898.2); c.3572C>A, p.Ser1191Tyr (NM_001354899.2); c.3533C>A, p.Ser1178Tyr (NM_001354900.2); c.3479C>A, p.Ser1160Tyr (NM_001354901.2); and 5 more; short protein forms S1201Y, S1219Y, S1118Y, S1229Y, S1237Y, S1178Y, S1191Y, S936Y.
Identifiers: ClinVar variation 419520 (VCV000419520.14), dbSNP rs1064793930, ClinGen allele CA16029362.